The following is an entry in ClinVar:

ClinVar aggregate classification (germline): Uncertain significance (1 of 4 stars; one submission).

Conditions:
Cataract 50 with or without glaucoma (CTRCT50). Identifiers: MedGen C5830299, MONDO:0859382, OMIM 620253.

gnomAD v4.1: 1 of 1,614,092 alleles (0.000062%); highest among the groups gnomAD compares: East Asian, 0.0022%; no homozygotes.

Submission:

Molecular Medicine, University of Pavia
Classification: Uncertain significance for Cataract 50 with or without glaucoma. Last evaluated: 2026-04-01. Review status: criteria provided, single submitter. Criteria: ACMG Guidelines, 2015. Collection method: research. Allele origin: inherited. Affected: yes. Observed: 1 variant allele.
Comment: The NM_001366145.2:c.3331G>A, is a missense variant in TRPM3 that substitutes the Valine 1111 into a Methyonine residue. This variant has an extremely low frequency in the GnomAD 4.1.0 database, and it has not been previously reported neither in ClinVar nor in literature. In summary, this variant meets criteria to be classified as VUS based on the ACMG/AMP criteria applied: PM2_supp, PP3, PP2

NM_001366145.2(TRPM3):c.3331G>A (p.Val1111Met)

Gene: TRPM3 (transient receptor potential cation channel subfamily M member 3; minus strand). Cytogenetic location: 9q21.12.
Variant type: single nucleotide variant.
Coding change: c.3331G>A on transcript NM_001366145.2 (MANE Select); coding-DNA position 3331, G replaced by A.
Protein change: p.Val1111Met; replaces valine 1111 with methionine.
Molecular consequence: missense variant.
Genome position (GRCh38, 1-based): chr9:70,553,203, C>T on the plus strand (G>A on the coding strand, the complement: TRPM3 is on the minus strand). VCF-style: chr9-70553203-C-T. GRCh37 (hg19) VCF-style: chr9-73168119-C-T.
Other names: c.3295G>A, p.Val1099Met (NM_001007471.4, NM_001366151.2); c.3301G>A, p.Val1101Met (NM_001366141.2, NM_001366143.2, NM_001366149.2); c.3337G>A, p.Val1113Met (NM_001366142.2); c.3331G>A, p.Val1111Met (NM_001366146.2); c.3406G>A, p.Val1136Met (NM_001366147.2, NM_001366152.2); c.3376G>A, p.Val1126Met (NM_001366148.2); c.3265G>A, p.Val1089Met (NM_001366150.2); c.2872G>A, p.Val958Met (NM_001366154.2, NM_024971.7); and 5 more; short protein forms V1089M, V1099M, V1101M, V1111M, V1113M, V1126M, V1136M, V936M.
Identifiers: ClinVar variation 4819954 (VCV004819954.1).